The following is an entry in ClinVar:

ClinVar aggregate classification (germline): Uncertain significance. Review status: criteria provided, multiple submitters, no conflicts (2 of 4 stars). 2 submissions from 2 submitters: Uncertain significance (2). Last evaluated 2024-01-12.

Conditions:
Hypertrophic cardiomyopathy 14. Identifiers: MedGen C2750467, MONDO:0013197, OMIM 613251.

Submissions (2):

Labcorp Genetics (formerly Invitae), Labcorp
Classification: Uncertain significance for Hypertrophic cardiomyopathy 14. Last evaluated: 2024-01-12. Review status: criteria provided, single submitter. Criteria: Invitae Variant Classification Sherloc (09022015). Collection method: clinical testing. Allele origin: germline.
Comment: This sequence change replaces glutamic acid, which is acidic and polar, with lysine, which is basic and polar, at codon 22 of the MYH6 protein (p.Glu22Lys). This variant is not present in population databases (gnomAD no frequency). This variant has not been reported in the literature in individuals affected with MYH6-related conditions. ClinVar contains an entry for this variant (Variation ID: 1331230). Advanced modeling of protein sequence and biophysical properties (such as structural, functional, and spatial information, amino acid conservation, physicochemical variation, residue mobility, and thermodynamic stability) performed at Invitae indicates that this missense variant is not expected to disrupt MYH6 protein function with a negative predictive value of 80%. In summary, the available evidence is currently insufficient to determine the role of this variant in disease. Therefore, it has been classified as a Variant of Uncertain Significance.

GeneDx
Classification: Uncertain significance. Last evaluated: 2023-07-24. Review status: criteria provided, single submitter. Criteria: GeneDx Variant Classification Process June 2021. Collection method: clinical testing. Allele origin: germline. Affected: yes.
Comment: Not observed at significant frequency in large population cohorts (gnomAD); In silico analysis supports that this missense variant has a deleterious effect on protein structure/function; Has not been previously published as pathogenic or benign to our knowledge

NM_002471.4(MYH6):c.64G>A (p.Glu22Lys)

Genes: MYH6 (myosin heavy chain 6; minus strand), LOC114827851 (VISTA enhancer hs2155; plus strand). Cytogenetic location: 14q11.2.
Variant type: single nucleotide variant.
Coding change: c.64G>A on transcript NM_002471.4 (MANE Select); coding-DNA position 64, G replaced by A.
Protein change: p.Glu22Lys; replaces glutamic acid 22 with lysine.
Molecular consequence: missense variant.
Genome position (GRCh38, 1-based): chr14:23,407,160, C>T on the plus strand (G>A on the coding strand, the complement: MYH6 is on the minus strand). VCF-style: chr14-23407160-C-T. GRCh37 (hg19) VCF-style: chr14-23876369-C-T.
Other names: short protein forms E22K.
Identifiers: ClinVar variation 1331230 (VCV001331230.6), dbSNP rs2138622800, ClinGen allele CA389032141.